The following is an entry in ClinVar:

ClinVar aggregate classification (germline): Uncertain significance (1 of 4 stars; one submission).

Conditions:
Cardiovascular phenotype. Identifiers: MedGen CN230736.

gnomAD v4.1: 1 of 1,550,322 alleles (0.000065%); highest among the groups gnomAD compares: Non-Finnish European, 0.000087%; no homozygotes.

Submission:

Ambry Genetics
Classification: Uncertain significance for Cardiovascular phenotype. Last evaluated: 2025-04-10. Review status: criteria provided, single submitter. Criteria: Ambry Variant Classification Scheme 2023. Collection method: clinical testing. Allele origin: germline.
Comment: The p.A2688V variant (also known as c.8063C>T), located in coding exon 2 of the ZNF469 gene, results from a C to T substitution at nucleotide position 8063. The alanine at codon 2688 is replaced by valine, an amino acid with similar properties. This amino acid position is conserved. In addition, this alteration is predicted to be tolerated by in silico analysis. Based on the available evidence, the clinical significance of this variant remains unclear.

NM_001367624.2(ZNF469):c.8147C>T (p.Ala2716Val)

Gene: ZNF469 (zinc finger protein 469; plus strand). Cytogenetic location: 16q24.2.
Variant type: single nucleotide variant.
Coding change: c.8147C>T on transcript NM_001367624.2 (MANE Select); coding-DNA position 8147, C replaced by T.
Protein change: p.Ala2716Val; replaces alanine 2716 with valine.
Molecular consequence: missense variant.
Genome position (GRCh38, 1-based): chr16:88,435,617, C>T. VCF-style: chr16-88435617-C-T. GRCh37 (hg19) VCF-style: chr16-88502025-C-T.
Other names: NM_001127464.1:c.8063C>T; short protein forms A2716V.
Identifiers: ClinVar variation 3987321 (VCV003987321.1).